The following is an entry in ClinVar:

ClinVar aggregate classification (germline): Uncertain significance (1 of 4 stars; one submission).

Conditions:
Hereditary cancer-predisposing syndrome. Also called: Hereditary neoplastic syndrome; Neoplastic Syndromes, Hereditary; Tumor predisposition; Hereditary Cancer Syndrome. Identifiers: Orphanet 140162, MedGen C0027672, MeSH D009386, MONDO:0015356.

Submission:

Ambry Genetics
Classification: Uncertain significance for Hereditary cancer-predisposing syndrome. Last evaluated: 2024-12-19. Review status: criteria provided, single submitter. Criteria: Ambry Variant Classification Scheme 2023. Collection method: clinical testing. Allele origin: germline.
Comment: The c.3359+2T>G intronic variant results from a T to G substitution two nucleotides after coding exon 20 in the ALK gene. This nucleotide position is highly conserved in available vertebrate species. In silico splice site analysis predicts that this alteration will weaken the native splice donor site and will result in the creation or strengthening of a novel splice donor site. Alterations that disrupt the canonical splice site are expected to cause aberrant splicing, resulting in an abnormal protein or a transcript that is subject to nonsense-mediated mRNA decay. However, loss of function of ALK has not been established as a mechanism of disease. Based on the available evidence, the clinical significance of this alteration remains unclear.

NM_004304.5(ALK):c.3359+2T>G

Gene: ALK (ALK receptor tyrosine kinase; minus strand). Cytogenetic location: 2p23.2.
Variant type: single nucleotide variant.
Coding change: c.3359+2T>G on transcript NM_004304.5 (MANE Select); the canonical splice donor site of the intron after coding-DNA position 3359, T replaced by G.
Molecular consequence: splice donor variant.
Genome position (GRCh38, 1-based): chr2:29,223,340, A>C on the plus strand (T>G on the coding strand, the complement: ALK is on the minus strand). VCF-style: chr2-29223340-A-C. GRCh37 (hg19) VCF-style: chr2-29446206-A-C.
Other names: c.155+2T>G (NM_001353765.2).
Identifiers: ClinVar variation 3854892 (VCV003854892.1).
Genomic context (GRCh38, chr2:29,223,340, plus strand): 5'-GTGATAACATTCAGCCCCTACACTGCACCCCTCTCCTCCCAGGACGGCAGCAGGGCGCTC[A>C]CCGAATGAGGGTGATGTTTTTCCGCGGCACCTCCTTCAGGTCACTGATGGAGGAGGTCTT-3'